The following is an entry in ClinVar:

ClinVar aggregate classification (germline): Pathogenic. Review status: criteria provided, multiple submitters, no conflicts (2 of 4 stars). 2 submissions from 2 submitters: Pathogenic (2). Last evaluated 2024-10-17.

Conditions:
Neonatal-onset encephalopathy with rigidity and seizures. Also called: Lethal neonatal spasticity-epileptic encephalopathy syndrome. Identifiers: Orphanet 435845, MedGen C3281029, MONDO:0013784, OMIM 614498.

gnomAD v4.1: 5 of 1,547,760 alleles (0.00032%); highest among the groups gnomAD compares: East Asian, 0.0096%; no homozygotes.

Submissions (2):

Victorian Clinical Genetics Services, Murdoch Childrens Research Institute
Classification: Pathogenic for Neonatal-onset encephalopathy with rigidity and seizures. Last evaluated: 2024-10-17. Review status: criteria provided, single submitter. Criteria: ACMG Guidelines, 2015. Collection method: clinical testing. Allele origin: germline. Affected: no.
Comment: This variant is classified as Pathogenic. Evidence in support of pathogenic classification: Splice site variant proven to affect splicing of the transcript with uncertain effect on protein sequence. Minigene assay using HEK293T cells has shown this variant and the alternative c.1395G>A resulted in complete skipping of exon 10 (PMID: 34747546); Variant is present in gnomAD <0.01 (v2) for a recessive condition (1 heterozygote, 0 homozygotes); This variant has strong previous evidence of pathogenicity in unrelated individuals. It has been detected in multiple individuals with lethal neonatal rigidity and multifocal seizure syndrome or neurodevelopmental disorder with cerebellar atrophy and with or without seizures (PMIDs: 37344571, 31618474, 35620305, 35360849); Other synonymous variants affecting the same nucleotide, comparable to the one identified in this case have moderate previous evidence for pathogenicity. c.1395G>A has been reported in patients (PMID: 37344571) and is regarded pathogenic in ClinVar. c.1395G>T has been regarded as a VUS and most recently as likely pathogenic in ClinVar. Additional information: This variant is heterozygous; This gene is associated with autosomal recessive disease; An alternative nucleotide change is present in gnomAD (v2) (5 heterozygotes, 0 homozygotes); Loss of function is a known mechanism of disease in this gene and is associated with lethal neonatal rigidity and multifocal seizure syndrome (MIM#614498) and neurodevelopmental disorder with cerebellar atrophy and with or without seizures (MIM#618056).

Juno Genomics, Hangzhou Juno Genomics, Inc
Classification: Pathogenic for Neonatal-onset encephalopathy with rigidity and seizures. Review status: criteria provided, single submitter. Criteria: ACMG Guidelines, 2015. Collection method: clinical testing. Allele origin: germline.
Comment: Absent from controls (or at extremely low frequency if recessive) in Genome Aggregation Database.;Null variant in a gene where loss of function (LOF) is a known mechanism of disease.;For recessive disorders, detected in trans with a pathogenic variant.;Co-segregation with disease in multiple affected family members.

Literature cited by the submitters: PubMed 35620305 (cited by Victorian Clinical Genetics Services, Murdoch Childrens Research Institute); PubMed 31618474 (cited by Victorian Clinical Genetics Services, Murdoch Childrens Research Institute); PubMed 35360849 (cited by Victorian Clinical Genetics Services, Murdoch Childrens Research Institute); PubMed 34747546 (cited by Victorian Clinical Genetics Services, Murdoch Childrens Research Institute); PubMed 37344571 (cited by Victorian Clinical Genetics Services, Murdoch Childrens Research Institute).

NM_152743.4(BRAT1):c.1395G>C (p.Thr465=)

Gene: BRAT1 (BRCA1 associated ATM activator 1; minus strand). Cytogenetic location: 7p22.3.
Variant type: single nucleotide variant.
Coding change: c.1395G>C on transcript NM_152743.4 (MANE Select); coding-DNA position 1395, G replaced by C.
Protein change: p.Thr465=; no amino-acid change (threonine 465 retained).
Molecular consequence: synonymous variant. On other transcripts: non-coding transcript variant (1).
Genome position (GRCh38, 1-based): chr7:2,540,979, C>G on the plus strand (G>C on the coding strand, the complement: BRAT1 is on the minus strand). VCF-style: chr7-2540979-C-G. GRCh37 (hg19) VCF-style: chr7-2580613-C-G.
Other names: c.1395G>C, p.Thr465= (NM_001350626.2); c.870G>C, p.Thr290= (NM_001350627.2).
Identifiers: ClinVar variation 3377139 (VCV003377139.5).